The following is an entry in ClinVar:

NC_000012.11:g.(?_133201283)_(133209391_?)dup

Gene: POLE (DNA polymerase epsilon, catalytic subunit; minus strand). Cytogenetic location: 12q24.33.
Variant type: Duplication.
Identifiers: ClinVar variation 1020381 (VCV001020381.5).

ClinVar aggregate classification (germline): Uncertain significance (1 of 4 stars; one submission).

Submission:

Labcorp Genetics (formerly Invitae), Labcorp
Classification: Uncertain significance. Last evaluated: 2022-12-25. Review status: criteria provided, single submitter. Criteria: Invitae Variant Classification Sherloc (09022015). Collection method: clinical testing. Allele origin: germline.
Comment: In summary, the available evidence is currently insufficient to determine the role of this variant in disease. Therefore, it has been classified as a Variant of Uncertain Significance. Experimental studies and prediction algorithms are not available or were not evaluated, and the functional significance of this variant is currently unknown. This variant has not been reported in the literature in individuals affected with POLE-related conditions. This variant results in a copy number gain of the genomic region encompassing exon(s) 44-49 of the POLE gene. This region includes the termination codon of the gene. This copy number gain extends beyond the assayed region for this gene and therefore may encompass additional genes. As the precise location of this event is unknown, it may be in tandem or it may be located elsewhere in the genome.